The following is an entry in ClinVar:

ClinVar aggregate classification (germline): Benign (1 of 4 stars; one submission).

Allele frequency attached by ClinVar (database versions not stated): gnomAD exomes 0.00248; gnomAD 0.02426 and 0.02580; TOPMed 0.02658; 1000 Genomes Project 0.02895; 1000 Genomes Project 30x 0.02951.
gnomAD v4.1: 6,268 of 1,133,214 alleles (0.55%); highest among the groups gnomAD compares: African/African-American, 8.3%; 272 homozygotes.

Submission:

GeneDx
Classification: Benign. Last evaluated: 2018-06-19. Review status: criteria provided, single submitter. Criteria: GeneDx Variant Classification (06012015). Collection method: clinical testing. Allele origin: germline. Affected: yes.
Comment: This variant is considered likely benign or benign based on one or more of the following criteria: it is a conservative change, it occurs at a poorly conserved position in the protein, it is predicted to be benign by multiple in silico algorithms, and/or has population frequency not consistent with disease.

NM_182961.4(SYNE1):c.3838-122T>G

Gene: SYNE1 (spectrin repeat containing nuclear envelope protein 1; minus strand). Cytogenetic location: 6q25.2.
Variant type: single nucleotide variant.
Coding change: c.3838-122T>G on transcript NM_182961.4 (MANE Select); 122 bases into the intron before coding-DNA position 3838, T replaced by G.
Molecular consequence: intron variant.
Genome position (GRCh38, 1-based): chr6:152,442,367, A>C on the plus strand (T>G on the coding strand, the complement: SYNE1 is on the minus strand). VCF-style: chr6-152442367-A-C. GRCh37 (hg19) VCF-style: chr6-152763502-A-C.
Other names: c.3859-122T>G (NM_033071.5).
Identifiers: ClinVar variation 675449 (VCV000675449.1), dbSNP rs76390128, ClinGen allele CA150230538.